The following is an entry in ClinVar:

NM_002941.4(ROBO1):c.3692_3696del (p.Glu1231fs)

Gene: ROBO1 (roundabout guidance receptor 1; minus strand). Cytogenetic location: 3p12.3.
Variant type: Deletion.
Coding change: c.3692_3696del on transcript NM_002941.4 (MANE Select); coding-DNA positions 3692 to 3696, 5 bases deleted (AAGAG; older notation c.3692_3696delAAGAG).
Protein change: p.Glu1231fs; shifts the reading frame from glutamic acid 1231.
Molecular consequence: frameshift variant.
Genome position (GRCh38, 1-based): chr3:78,627,500-78,627,504, CTCTT deleted on the plus strand (AAGAG on the coding strand, the reverse complement: ROBO1 is on the minus strand); deleting any 5 consecutive bases within chr3:78,627,500-78,627,506 gives the same sequence; the c. name uses the placement nearest the transcript's 3' end. VCF-style (leftmost placement, unchanged base first): chr3-78627499-CCTCTT-C. GRCh37 (hg19) VCF-style: chr3-78676649-CCTCTT-C.
Other names: c.3392_3396del, p.Glu1131fs (NM_001145845.2); c.3557_3561del, p.Glu1186fs (NM_133631.4); short protein forms E1131fs, E1186fs, E1231fs.
Identifiers: ClinVar variation 4851888 (VCV004851888.1).

ClinVar aggregate classification (germline): Likely pathogenic (1 of 4 stars; one submission).

Submission:

Dasa
Classification: Likely pathogenic. Last evaluated: 2025-06-07. Review status: criteria provided, single submitter. Criteria: DASA Assertion Criteria. Collection method: clinical testing. Allele origin: germline.
Comment: NM_002941.4(ROBO1):c.3692_3696del (p.Glu1231Glyfs*4) introduces a premature termination codon predicted to result in loss of normal protein function. Loss-of-function is an established mechanism of disease for this gene. The variant is present at low frequency in population datasets. Based on the available data, this variant is classified as likely pathogenic.